The following is an entry in ClinVar:

ClinVar aggregate classification (germline): Uncertain significance (1 of 4 stars; one submission).

Conditions:
Hereditary cancer-predisposing syndrome. Also called: Hereditary neoplastic syndrome; Neoplastic Syndromes, Hereditary; Tumor predisposition; Hereditary Cancer Syndrome. Identifiers: Orphanet 140162, MedGen C0027672, MeSH D009386, MONDO:0015356.

Submission:

Ambry Genetics
Classification: Uncertain significance for Hereditary cancer-predisposing syndrome. Last evaluated: 2025-09-12. Review status: criteria provided, single submitter. Criteria: Ambry Variant Classification Scheme 2023. Collection method: clinical testing. Allele origin: germline.
Comment: The p.Y1854F variant (also known as c.5561A>T), located in coding exon 15 of the APC gene, results from an A to T substitution at nucleotide position 5561. The tyrosine at codon 1854 is replaced by phenylalanine, an amino acid with highly similar properties. This amino acid position is conserved. In addition, in silico predictors for this gene do not accurately predict pathogenicity. Based on the available evidence, the clinical significance of this variant remains unclear.

NM_000038.6(APC):c.5561A>T (p.Tyr1854Phe)

Gene: APC (APC regulator of Wnt signaling pathway; plus strand). Cytogenetic location: 5q22.2.
Variant type: single nucleotide variant.
Coding change: c.5561A>T on transcript NM_000038.6 (MANE Select); coding-DNA position 5561, A replaced by T.
Protein change: p.Tyr1854Phe; replaces tyrosine 1854 with phenylalanine.
Molecular consequence: missense variant. On other transcripts: non-coding transcript variant (2).
Genome position (GRCh38, 1-based): chr5:112,841,155, A>T. VCF-style: chr5-112841155-A-T. GRCh37 (hg19) VCF-style: chr5-112176852-A-T.
Other names: c.5561A>T, p.Tyr1854Phe (NM_001127510.3, NM_001354895.2, NM_001407450.1); c.5507A>T, p.Tyr1836Phe (NM_001127511.3); c.5615A>T, p.Tyr1872Phe (NM_001354896.2, NM_001407447.1, NM_001407448.1 and 1 more transcripts); c.5591A>T, p.Tyr1864Phe (NM_001354897.2); c.5486A>T, p.Tyr1829Phe (NM_001354898.2); c.5477A>T, p.Tyr1826Phe (NM_001354899.2); c.5438A>T, p.Tyr1813Phe (NM_001354900.2); c.5384A>T, p.Tyr1795Phe (NM_001354901.2, NM_001407453.1); and 11 more; short protein forms Y1753F, Y1763F, Y1836F, Y1864F, Y1882F, Y1725F, Y1728F, Y1813F.
Identifiers: ClinVar variation 4121942 (VCV004121942.1).
Genomic context (GRCh38, chr5:112,841,155, plus strand): 5'-TCAGAGGAAGTTTTGCTTTTGATTCACCTCATCATTACACGCCTATTGAAGGAACTCCTT[A>T]CTGTTTTTCACGAAATGATTCTTTGAGTTCTCTAGATTTTGATGATGATGATGTTGACCT-3'
Protein context (NP_000029.2, residues 1844-1864): HHYTPIEGTP[Tyr1854Phe]CFSRNDSLSS